The following is an entry in ClinVar:

ClinVar aggregate classification (germline): Uncertain significance. Review status: criteria provided, multiple submitters, no conflicts (2 of 4 stars). 3 submissions from 3 submitters: Uncertain significance (3). Last evaluated 2023-10-01.

Conditions:
Retinal dystrophy. Also called: Inherited retinal dystrophy. Identifiers: Orphanet 71862, MedGen C0854723, MeSH D058499, MONDO:0019118, HP:0000556.

Allele frequency attached by ClinVar (database versions not stated): gnomAD exomes 0.00003; TOPMed 0.00003; ExAC 0.00004; gnomAD 0.00006; 1000 Genomes Project 30x 0.00016; 1000 Genomes Project 0.00020.
gnomAD v4.1: 44 of 1,614,128 alleles (0.0027%); highest among the groups gnomAD compares: East Asian, 0.02%; 1 homozygote.

Submissions (3):

Dept Of Ophthalmology, Nagoya University
Classification: Uncertain significance for Retinal dystrophy. Last evaluated: 2023-10-01. Review status: criteria provided, single submitter. Criteria: Submitter's publication. Collection method: research. Allele origin: germline. Affected: yes.

Blueprint Genetics
Classification: Uncertain significance. Last evaluated: 2022-07-06. Review status: criteria provided, single submitter. Criteria: ACMG Guidelines, 2015. Collection method: clinical testing. Allele origin: germline.

Labcorp Genetics (formerly Invitae), Labcorp
Classification: Uncertain significance. Last evaluated: 2022-04-10. Review status: criteria provided, single submitter. Criteria: Invitae Variant Classification Sherloc (09022015). Collection method: clinical testing. Allele origin: germline.
Comment: This sequence change replaces arginine, which is basic and polar, with glutamine, which is neutral and polar, at codon 445 of the MERTK protein (p.Arg445Gln). This variant is present in population databases (rs202242962, gnomAD 0.01%). This variant has not been reported in the literature in individuals affected with MERTK-related conditions. ClinVar contains an entry for this variant (Variation ID: 961387). Algorithms developed to predict the effect of missense changes on protein structure and function output the following: SIFT: "Tolerated"; PolyPhen-2: "Benign"; Align-GVGD: "Class C0". The glutamine amino acid residue is found in multiple mammalian species, which suggests that this missense change does not adversely affect protein function. In summary, the available evidence is currently insufficient to determine the role of this variant in disease. Therefore, it has been classified as a Variant of Uncertain Significance.

NM_006343.3(MERTK):c.1334G>A (p.Arg445Gln)

Gene: MERTK (MER proto-oncogene, tyrosine kinase; plus strand). Cytogenetic location: 2q13.
Variant type: single nucleotide variant.
Coding change: c.1334G>A on transcript NM_006343.3 (MANE Select); coding-DNA position 1334, G replaced by A.
Protein change: p.Arg445Gln; replaces arginine 445 with glutamine.
Molecular consequence: missense variant.
Genome position (GRCh38, 1-based): chr2:111,994,288, G>A. VCF-style: chr2-111994288-G-A. GRCh37 (hg19) VCF-style: chr2-112751865-G-A.
Other names: short protein forms R445Q.
Identifiers: ClinVar variation 961387 (VCV000961387.9), dbSNP rs202242962, ClinGen allele CA1831357.